The following is an entry in ClinVar:

ClinVar aggregate classification (germline): Pathogenic/Likely pathogenic. Review status: criteria provided, multiple submitters, no conflicts (2 of 4 stars). 2 submissions from 2 submitters: Pathogenic (1); Likely pathogenic (1). Last evaluated 2025-02-25.

Conditions:
Muscular dystrophy-dystroglycanopathy (congenital with brain and eye anomalies), type A2. Also called: MUSCULAR DYSTROPHY-DYSTROGLYCANOPATHY (CONGENITAL WITH BRAIN AND EYE ANOMALIES), TYPE A, 2; WALKER-WARBURG SYNDROME OR MUSCLE-EYE-BRAIN DISEASE, POMT2-RELATED. Identifiers: Orphanet 588, Orphanet 899, MedGen C3150411, MONDO:0013154, OMIM 613150.

Allele frequency attached by ClinVar (database versions not stated): gnomAD exomes below 0.00001.
gnomAD v4.1: 1 of 1,614,164 alleles (0.000062%); highest among the groups gnomAD compares: Non-Finnish European, 0.000085%; no homozygotes.

Submissions (2):

3billion
Classification: Pathogenic for Muscular dystrophy-dystroglycanopathy (congenital with brain and eye anomalies), type A2. Last evaluated: 2025-02-25. Review status: criteria provided, single submitter. Criteria: ACMG Guidelines, 2015. Collection method: clinical testing. Allele origin: germline. Affected: yes.
Comment: The variant is observed at an extremely low frequency in the gnomAD v4.1.0 dataset (total allele frequency: <0.001%). Predicted Consequence/Location: Canonical splice site: predicted to alter splicing and result in a loss or disruption of normal protein function. Multiple pathogenic loss-of-function variants are reported downstream of the variant. In silico tools predict the variant to alter splicing and produce an abnormal transcript [SpliceAI: 0.99 (spliceogenicity >=0.2, non-spliceogenicity <0.1)]. The variant has been reported to be associated with POMT2-related disorder (ClinVar ID: VCV002678035). Therefore, this variant is classified as Pathogenic according to the recommendation of ACMG/AMP guideline.

Baylor Genetics
Classification: Likely pathogenic for Muscular dystrophy-dystroglycanopathy (congenital with brain and eye anomalies), type A2. Last evaluated: 2023-03-04. Review status: criteria provided, single submitter. Criteria: ACMG Guidelines, 2015. Collection method: clinical testing. Allele origin: unknown.

NM_013382.7(POMT2):c.1786-2A>T

Gene: POMT2 (protein O-mannosyltransferase 2; minus strand). Cytogenetic location: 14q24.3.
Variant type: single nucleotide variant.
Coding change: c.1786-2A>T on transcript NM_013382.7 (MANE Select); the canonical splice acceptor site of the intron before coding-DNA position 1786, A replaced by T.
Molecular consequence: splice acceptor variant.
Genome position (GRCh38, 1-based): chr14:77,279,930, T>A on the plus strand (A>T on the coding strand, the complement: POMT2 is on the minus strand). VCF-style: chr14-77279930-T-A. GRCh37 (hg19) VCF-style: chr14-77746273-T-A.
Identifiers: ClinVar variation 2678035 (VCV002678035.2), dbSNP rs1257697617, ClinGen allele CA390514924.